The following is an entry in ClinVar:

NM_005732.4(RAD50):c.2431CAA[1] (p.Gln812del)

Gene: RAD50 (RAD50 double strand break repair protein; plus strand). Cytogenetic location: 5q31.1.
Variant type: Microsatellite.
Coding change: c.2431CAA[1] on transcript NM_005732.4 (MANE Select); one copy of the 3-base unit CAA starting at c.2431; the reference has two copies in a row; one copy, 3 bases deleted.
Protein change: p.Gln812del; deletes glutamine 812.
Molecular consequence: inframe deletion.
Genome position (GRCh38, 1-based): chr5:132,603,956-132,603,958, CAA deleted; deleting any 3 consecutive bases within chr5:132,603,952-132,603,958 gives the same sequence; the position shown is the placement nearest the transcript's 3' end. VCF-style (leftmost placement, unchanged base first): chr5-132603951-CACA-C. GRCh37 (hg19) VCF-style: chr5-131939643-CACA-C.
Other names: short protein forms Q812del.
Identifiers: ClinVar variation 548918 (VCV000548918.11), dbSNP rs1554099147, ClinGen allele CA658823258.

ClinVar aggregate classification (germline): Uncertain significance. Review status: criteria provided, single submitter (1 of 4 stars). 2 submissions from 2 submitters: Uncertain significance (1). 1 of the submissions does not count toward it. Last evaluated 2023-02-15.

Conditions:
Hereditary cancer-predisposing syndrome. Also called: Hereditary Cancer Syndrome; Hereditary neoplastic syndrome; Tumor predisposition; Neoplastic Syndromes, Hereditary. Identifiers: Orphanet 140162, MedGen C0027672, MeSH D009386, MONDO:0015356.
Nijmegen breakage syndrome-like disorder (NBSLD). Also called: MICROCEPHALY AND SPONTANEOUS CHROMOSOME INSTABILITY WITHOUT IMMUNODEFICIENCY; NBS-LIKE DISORDER; RAD50 DEFICIENCY. Identifiers: Orphanet 240760, MedGen C2751318, MONDO:0013118, OMIM 613078.

Submissions (2):

Labcorp Genetics (formerly Invitae), Labcorp
Classification: Uncertain significance for Hereditary cancer-predisposing syndrome. Last evaluated: 2023-02-15. Review status: criteria provided, single submitter. Criteria: Invitae Variant Classification Sherloc (09022015). Collection method: clinical testing. Allele origin: germline.
Comment: In summary, the available evidence is currently insufficient to determine the role of this variant in disease. Therefore, it has been classified as a Variant of Uncertain Significance. Experimental studies and prediction algorithms are not available or were not evaluated, and the functional significance of this variant is currently unknown. ClinVar contains an entry for this variant (Variation ID: 548918). This variant has not been reported in the literature in individuals affected with RAD50-related conditions. This variant is not present in population databases (gnomAD no frequency). This variant, c.2434_2436del, results in the deletion of 1 amino acid(s) of the RAD50 protein (p.Gln812del), but otherwise preserves the integrity of the reading frame.

Counsyl
Classification: Uncertain significance for Nijmegen breakage syndrome-like disorder. Last evaluated: 2018-05-23. Review status: no assertion criteria provided. Collection method: clinical testing. Allele origin: unknown. Not counted in ClinVar's aggregate classification.